The following is an entry in ClinVar:

ClinVar aggregate classification (germline): Likely benign. Review status: criteria provided, multiple submitters, no conflicts (2 of 4 stars). 3 submissions from 3 submitters: Likely benign (3). Last evaluated 2025-12-26.

Conditions:
Episodic ataxia type 2 (EA2). Also called: ACETAZOLAMIDE-RESPONSIVE HEREDITARY PAROXYSMAL CEREBELLAR ATAXIA; ATAXIA, EPISODIC, WITH NYSTAGMUS; ATAXIA, FAMILIAL PAROXYSMAL; CEREBELLAR ATAXIA, PAROXYSMAL, ACETAZOLAMIDE-RESPONSIVE; CEREBELLOPATHY, HEREDITARY PAROXYSMAL; EPISODIC ATAXIA, NYSTAGMUS-ASSOCIATED. Identifiers: Orphanet 97, MedGen C1720416, MONDO:0007163, OMIM 108500.
Developmental and epileptic encephalopathy, 42 (DEE42A). Also called: Epileptic encephalopathy, early infantile, 42; DEVELOPMENTAL AND EPILEPTIC ENCEPHALOPATHY 42A; EPILEPTIC ENCEPHALOPATHY, EARLY INFANTILE, 42A. Identifiers: MedGen C4310716, MONDO:0014917, OMIM 617106.

Allele frequency attached by ClinVar (database versions not stated): gnomAD exomes 0.00010; TOPMed 0.00014; gnomAD 0.00016 and 0.00017; ExAC 0.00022; 1000 Genomes Project 0.00100; 1000 Genomes Project 30x 0.00156.
gnomAD v4.1: 84 of 1,560,612 alleles (0.0054%); highest among the groups gnomAD compares: Admixed American, 0.074%; 1 homozygote.

Submissions (3):

Labcorp Genetics (formerly Invitae), Labcorp
Classification: Likely benign for Developmental and epileptic encephalopathy, 42; Episodic ataxia type 2. Last evaluated: 2025-12-26. Review status: criteria provided, single submitter. Criteria: Invitae Variant Classification Sherloc (09022015). Collection method: clinical testing. Allele origin: germline.

Blueprint Genetics
Classification: Likely benign. Last evaluated: 2024-04-12. Review status: criteria provided, single submitter. Criteria: ACMG Guidelines, 2015. Collection method: clinical testing. Allele origin: germline.

GeneDx
Classification: Likely benign. Last evaluated: 2016-03-22. Review status: criteria provided, single submitter. Criteria: GeneDx Variant Classification (06012015). Collection method: clinical testing. Allele origin: germline. Affected: yes.
Comment: This variant is considered likely benign or benign based on one or more of the following criteria: it is a conservative change, it occurs at a poorly conserved position in the protein, it is predicted to be benign by multiple in silico algorithms, and/or has population frequency not consistent with disease.

NM_001127222.2(CACNA1A):c.6339+11C>T

Gene: CACNA1A (calcium voltage-gated channel subunit alpha1 A; minus strand). Cytogenetic location: 19p13.13.
Variant type: single nucleotide variant.
Coding change: c.6339+11C>T on transcript NM_001127222.2 (MANE Select); 11 bases into the intron after coding-DNA position 6339, C replaced by T.
Molecular consequence: intron variant.
Genome position (GRCh38, 1-based): chr19:13,210,606, G>A on the plus strand (C>T on the coding strand, the complement: CACNA1A is on the minus strand). VCF-style: chr19-13210606-G-A. GRCh37 (hg19) VCF-style: chr19-13321420-G-A.
Other names: c.6342+11C>T (NM_001127221.2); c.6348+11C>T (NM_001174080.2); c.6357+11C>T (NM_000068.4, NM_023035.3).
Identifiers: ClinVar variation 384633 (VCV000384633.10), dbSNP rs190260468, ClinGen allele CA9239383.
Genomic context (GRCh38, chr19:13,210,606, plus strand): 5'-TCCCTGGAGGGGGGGTGGGGAGGAAGAGGGGGCCGGAGCCCTGCTGGGCGCTGGGCAGGC[G>A]CGGTACATACACTGAGGTTATTCCCACGTGGCCGGCCCCTTCTCCTCTGTCACAGCCCCA-3'